The following is an entry in ClinVar:

NM_004370.6(COL12A1):c.5230+1G>A

Gene: COL12A1 (collagen type XII alpha 1 chain; minus strand). Cytogenetic location: 6q13.
Variant type: single nucleotide variant.
Coding change: c.5230+1G>A on transcript NM_004370.6 (MANE Select); the canonical splice donor site of the intron after coding-DNA position 5230, G replaced by A.
Molecular consequence: splice donor variant.
Genome position (GRCh38, 1-based): chr6:75,138,447, C>T on the plus strand (G>A on the coding strand, the complement: COL12A1 is on the minus strand). VCF-style: chr6-75138447-C-T. GRCh37 (hg19) VCF-style: chr6-75848163-C-T.
Other names: c.1738+1G>A (NM_080645.3).
Identifiers: ClinVar variation 578147 (VCV000578147.12), dbSNP rs1274606112, ClinGen allele CA364738456.

ClinVar aggregate classification (germline): Pathogenic/Likely pathogenic. Review status: criteria provided, multiple submitters, no conflicts (2 of 4 stars). 2 submissions from 2 submitters: Pathogenic (1); Likely pathogenic (1). Last evaluated 2026-08-06.

Conditions:
Ullrich congenital muscular dystrophy 2 (UCMD2). Identifiers: Orphanet 75840, MedGen C4225314, MONDO:0014654, OMIM 616470.
Bethlem myopathy 2 (BTHLM2). Identifiers: Orphanet 536516, Orphanet 610, MedGen C4225313, MONDO:0034022, OMIM 616471.

Allele frequency attached by ClinVar (database versions not stated): gnomAD exomes below 0.00001; gnomAD 0.00001; TOPMed below 0.00001.
gnomAD v4.1: 8 of 1,613,090 alleles (0.0005%); highest among the groups gnomAD compares: East Asian, 0.0045%; no homozygotes.

Submissions (2):

GeneDx
Classification: Pathogenic. Last evaluated: 2026-08-06. Review status: criteria provided, single submitter. Criteria: GeneDx Variant Classification Process June 2021. Collection method: clinical testing. Allele origin: germline.
Comment: Canonical splice site variant predicted to result in a null allele in a gene for which loss of function is a known mechanism of disease; This variant is associated with the following publications: (PMID: 35533453, 37485359, 40508193, 39923201)

Labcorp Genetics (formerly Invitae), Labcorp
Classification: Likely pathogenic for Bethlem myopathy 2; Ullrich congenital muscular dystrophy 2. Last evaluated: 2025-08-18. Review status: criteria provided, single submitter. Criteria: Invitae Variant Classification Sherloc (09022015). Collection method: clinical testing. Allele origin: germline.
Comment: This sequence change affects a donor splice site in intron 29 of the COL12A1 gene. It is expected to disrupt RNA splicing. Variants that disrupt the donor or acceptor splice site typically lead to a loss of protein function (PMID: 16199547), and loss-of-function variants in COL12A1 are known to be pathogenic (PMID: 24334604, 28973083). This variant is present in population databases (no rsID available, gnomAD 0.005%). Disruption of this splice site has been observed in individual(s) with clinical features of congenital muscular dystrophy (PMID: 35533453). ClinVar contains an entry for this variant (Variation ID: 578147). Algorithms developed to predict the effect of sequence changes on RNA splicing suggest that this variant may disrupt the consensus splice site. In summary, the currently available evidence indicates that the variant is pathogenic, but additional data are needed to prove that conclusively. Therefore, this variant has been classified as Likely Pathogenic.

Literature cited by the submitters: PubMed 16199547 (cited by Labcorp Genetics (formerly Invitae), Labcorp); PubMed 24334604 (cited by Labcorp Genetics (formerly Invitae), Labcorp); PubMed 28973083 (cited by Labcorp Genetics (formerly Invitae), Labcorp); PubMed 35533453 (cited by Labcorp Genetics (formerly Invitae), Labcorp).